The following is an entry in ClinVar:

ClinVar aggregate classification (germline): Likely pathogenic (1 of 4 stars; one submission).

Conditions:
Rett syndrome (RTT). Also called: AUTISM, DEMENTIA, ATAXIA, AND LOSS OF PURPOSEFUL HAND USE; Rett's disorder. Identifiers: Orphanet 3095, Orphanet 778, MedGen C0035372, MONDO:0010726, OMIM 312750.

Submission:

Centre for Population Genomics, CPG
Classification: Likely pathogenic for Rett syndrome. Last evaluated: 2024-12-19. Review status: criteria provided, single submitter. Criteria: McKnight et al. (Hum Mutat. 2022). Collection method: curation. Allele origin: germline. Inheritance: X-linked inheritance.
Comment: Based on the classification scheme defined by the ClinGen Rett/Angelman-like Expert Panel for Rett/AS-like Disorders Specifications to the ACMG/AMP Variant Interpretation Guidelines VCEP 3.0, this variant is classified as likely pathogenic. At least the following criteria are met:Predicted to result in loss of function, and LOF is a known mechanism of disease (PVS1).This variant is absent from gnomAD (PM2_Supporting).

NM_001323289.2(CDKL5):c.146-814_282+981del

Gene: CDKL5 (cyclin dependent kinase like 5; plus strand). Cytogenetic location: Xp22.13.
Variant type: Deletion.
Coding change: c.146-814_282+981del on transcript NM_001323289.2 (MANE Select); 814 bases into the intron before coding-DNA position 146 through 981 bases into the intron after coding-DNA position 282, 1,932 bases deleted.
Molecular consequence: splice acceptor variant, splice donor variant.
Genome position (GRCh38, 1-based): chrX:18,574,540-18,576,471, 1,932 bases deleted. GRCh37 (hg19): chrX:18,592,660-18,594,591.
Other names: NM_003159.3:c.146-814_282+981del; c.146-814_282+981del (NM_003159.3, NM_001037343.2).
Identifiers: ClinVar variation 3602038 (VCV003602038.1).